The following is an entry in ClinVar:

ClinVar aggregate classification (germline): Uncertain significance (1 of 4 stars; one submission).

Allele frequency attached by ClinVar (database versions not stated): gnomAD exomes below 0.00001.
gnomAD v4.1: 7 of 1,614,032 alleles (0.00043%); highest among the groups gnomAD compares: South Asian, 0.0055%; no homozygotes.

Submission:

Labcorp Genetics (formerly Invitae), Labcorp
Classification: Uncertain significance. Last evaluated: 2022-11-01. Review status: criteria provided, single submitter. Criteria: Invitae Variant Classification Sherloc (09022015). Collection method: clinical testing. Allele origin: germline.
Comment: ClinVar contains an entry for this variant (Variation ID: 1365805). This sequence change replaces leucine, which is neutral and non-polar, with phenylalanine, which is neutral and non-polar, at codon 602 of the AP3B2 protein (p.Leu602Phe). This variant is present in population databases (no rsID available, gnomAD 0.003%). This variant has not been reported in the literature in individuals affected with AP3B2-related conditions. Algorithms developed to predict the effect of missense changes on protein structure and function (SIFT, PolyPhen-2, Align-GVGD) all suggest that this variant is likely to be tolerated. In summary, the available evidence is currently insufficient to determine the role of this variant in disease. Therefore, it has been classified as a Variant of Uncertain Significance.

NM_001278512.2(AP3B2):c.1804C>T (p.Leu602Phe)

Genes: AP3B2 (adaptor related protein complex 3 subunit beta 2; minus strand), CPEB1-AS1 (CPEB1 antisense RNA 1; plus strand). Cytogenetic location: 15q25.2.
Variant type: single nucleotide variant.
Coding change: c.1804C>T on transcript NM_001278512.2 (MANE Select); coding-DNA position 1804, C replaced by T.
Protein change: p.Leu602Phe; replaces leucine 602 with phenylalanine.
Molecular consequence: missense variant.
Genome position (GRCh38, 1-based): chr15:82,666,795, G>A on the plus strand (C>T on the coding strand, the complement: AP3B2 is on the minus strand). VCF-style: chr15-82666795-G-A. GRCh37 (hg19) VCF-style: chr15-83335547-G-A.
Other names: c.1708C>T, p.Leu570Phe (NM_001278511.2); c.1804C>T, p.Leu602Phe (NM_004644.5); short protein forms L570F, L602F.
Identifiers: ClinVar variation 1365805 (VCV001365805.8), dbSNP rs1397960537, ClinGen allele CA393313815.